The following is an entry in ClinVar:

ClinVar aggregate classification (germline): Uncertain significance (1 of 4 stars; one submission).

Submission:

Labcorp Genetics (formerly Invitae), Labcorp
Classification: Uncertain significance. Last evaluated: 2024-09-12. Review status: criteria provided, single submitter. Criteria: Invitae Variant Classification Sherloc (09022015). Collection method: clinical testing. Allele origin: germline.
Comment: This sequence change replaces proline, which is neutral and non-polar, with serine, which is neutral and polar, at codon 1601 of the POLE protein (p.Pro1601Ser). This variant is not present in population databases (gnomAD no frequency). This variant has not been reported in the literature in individuals affected with POLE-related conditions. Invitae Evidence Modeling of protein sequence and biophysical properties (such as structural, functional, and spatial information, amino acid conservation, physicochemical variation, residue mobility, and thermodynamic stability) indicates that this missense variant is not expected to disrupt POLE protein function with a negative predictive value of 80%. In summary, the available evidence is currently insufficient to determine the role of this variant in disease. Therefore, it has been classified as a Variant of Uncertain Significance.

NM_006231.4(POLE):c.4801C>T (p.Pro1601Ser)

Gene: POLE (DNA polymerase epsilon, catalytic subunit; minus strand). Cytogenetic location: 12q24.33.
Variant type: single nucleotide variant.
Coding change: c.4801C>T on transcript NM_006231.4 (MANE Select); coding-DNA position 4801, C replaced by T.
Protein change: p.Pro1601Ser; replaces proline 1601 with serine.
Molecular consequence: missense variant.
Genome position (GRCh38, 1-based): chr12:132,642,657, G>A on the plus strand (C>T on the coding strand, the complement: POLE is on the minus strand). VCF-style: chr12-132642657-G-A. GRCh37 (hg19) VCF-style: chr12-133219243-G-A.
Other names: short protein forms P1601S.
Identifiers: ClinVar variation 3726407 (VCV003726407.2), dbSNP rs147467247.